The following is an entry in ClinVar:

ClinVar aggregate classification (germline): Uncertain significance (1 of 4 stars; one submission).

Allele frequency attached by ClinVar (database versions not stated): gnomAD 0.00003; TOPMed 0.00003.
gnomAD v4.1: 15 of 1,613,814 alleles (0.00093%); highest among the groups gnomAD compares: East Asian, 0.0045%; no homozygotes.

Submission:

Labcorp Genetics (formerly Invitae), Labcorp
Classification: Uncertain significance. Last evaluated: 2022-03-27. Review status: criteria provided, single submitter. Criteria: Invitae Variant Classification Sherloc (09022015). Collection method: clinical testing. Allele origin: germline.
Comment: In summary, the available evidence is currently insufficient to determine the role of this variant in disease. Therefore, it has been classified as a Variant of Uncertain Significance. Algorithms developed to predict the effect of missense changes on protein structure and function are either unavailable or do not agree on the potential impact of this missense change (SIFT: "Deleterious"; PolyPhen-2: "Benign"; Align-GVGD: "Class C0"). This variant has not been reported in the literature in individuals affected with TRIOBP-related conditions. This variant is present in population databases (rs768606841, gnomAD 0.006%). This sequence change replaces arginine, which is basic and polar, with tryptophan, which is neutral and slightly polar, at codon 912 of the TRIOBP protein (p.Arg912Trp).

NM_001039141.3(TRIOBP):c.2734C>T (p.Arg912Trp)

Gene: TRIOBP (TRIO and F-actin binding protein; plus strand). Cytogenetic location: 22q13.1.
Variant type: single nucleotide variant.
Coding change: c.2734C>T on transcript NM_001039141.3 (MANE Select); coding-DNA position 2734, C replaced by T.
Protein change: p.Arg912Trp; replaces arginine 912 with tryptophan.
Molecular consequence: missense variant.
Genome position (GRCh38, 1-based): chr22:37,725,290, C>T. VCF-style: chr22-37725290-C-T. GRCh37 (hg19) VCF-style: chr22-38121297-C-T.
Other names: short protein forms R912W.
Identifiers: ClinVar variation 2163911 (VCV002163911.4), dbSNP rs768606841, ClinGen allele CA10223953.